The following is an entry in ClinVar:

NM_000428.3(LTBP2):c.5463G>C (p.Glu1821Asp)

Gene: LTBP2 (latent transforming growth factor beta binding protein 2; minus strand). Cytogenetic location: 14q24.3.
Variant type: single nucleotide variant.
Coding change: c.5463G>C on transcript NM_000428.3 (MANE Select); coding-DNA position 5463, G replaced by C.
Protein change: p.Glu1821Asp; replaces glutamic acid 1821 with aspartic acid.
Molecular consequence: missense variant.
Genome position (GRCh38, 1-based): chr14:74,500,887, C>G on the plus strand (G>C on the coding strand, the complement: LTBP2 is on the minus strand). VCF-style: chr14-74500887-C-G. GRCh37 (hg19) VCF-style: chr14-74967590-C-G.
Other names: short protein forms E1821D.
Identifiers: ClinVar variation 1475978 (VCV001475978.9), dbSNP rs759816098, ClinGen allele CA7268392.
Genomic context (GRCh38, chr14:74,500,887, plus strand): 5'-GCCCCTGCCTGTGACTGGAGGCCATTTCCAGGTAGTTGCCACACTGACCCCTGACTGCTA[C>G]TCCTTGGCAGTGCAGTGGGGGGGCCCTGCCTCAGCCACATATCCCGGGGAGCAGTGGCAG-3'
Protein context (NP_000419.1, residues 1811-1821): EAGPPHCTAK[Glu1821Asp]

ClinVar aggregate classification (germline): Uncertain significance (1 of 4 stars; one submission).

Allele frequency attached by ClinVar (database versions not stated): TOPMed below 0.00001; gnomAD 0.00001; gnomAD exomes 0.00001; ExAC 0.00002.
gnomAD v4.1: 5 of 1,613,940 alleles (0.00031%); highest among the groups gnomAD compares: Non-Finnish European, 0.00042%; no homozygotes.

Submission:

Labcorp Genetics (formerly Invitae), Labcorp
Classification: Uncertain significance. Last evaluated: 2023-07-17. Review status: criteria provided, single submitter. Criteria: Invitae Variant Classification Sherloc (09022015). Collection method: clinical testing. Allele origin: germline.
Comment: This sequence change replaces glutamic acid, which is acidic and polar, with aspartic acid, which is acidic and polar, at codon 1821 of the LTBP2 protein (p.Glu1821Asp). In summary, the available evidence is currently insufficient to determine the role of this variant in disease. Therefore, it has been classified as a Variant of Uncertain Significance. An algorithm developed to predict the effect of missense changes on protein structure and function (PolyPhen-2) suggests that this variant is likely to be disruptive. ClinVar contains an entry for this variant (Variation ID: 1475978). This variant has not been reported in the literature in individuals affected with LTBP2-related conditions. This variant is present in population databases (rs759816098, gnomAD 0.003%).